The following is an entry in ClinVar:

NM_004563.4(PCK2):c.1234+54G>A

Genes: NRL (neural retina leucine zipper; minus strand), PCK2 (phosphoenolpyruvate carboxykinase 2, mitochondrial; plus strand). Cytogenetic location: 14q12.
Variant type: single nucleotide variant.
Coding change: c.1234+54G>A on transcript NM_004563.4 (MANE Select); 54 bases into the intron after coding-DNA position 1234, G replaced by A.
Molecular consequence: intron variant. On other transcripts: missense variant (1).
Genome position (GRCh38, 1-based): chr14:24,100,267, G>A. VCF-style: chr14-24100267-G-A. GRCh37 (hg19) VCF-style: chr14-24569476-G-A.
Other names: c.1288G>A, p.Val430Met (NM_001018073.3); c.-28+14455C>T (NM_001354768.3, NM_001354770.2); c.-254+14455C>T (NM_006177.5); c.832+54G>A (NM_001308054.2, NM_001291556.2); short protein forms V430M.
Identifiers: ClinVar variation 2644128 (VCV002644128.25), dbSNP rs199562600, ClinGen allele CA7123403.
Genomic context (GRCh38, chr14:24,100,267, plus strand): 5'-AAACCTGGTATGTGCGGTGGGGAAGGTGTGGCACAGCCTCCAGGCCTCAGCACCTTAATG[G>A]TGGAAAAGCTTTCTCCACAACCTCCAACCATCTTCTAGGACTGCCAGGAGGCACAGAAGT-3'

ClinVar aggregate classification (germline): Likely benign. Review status: criteria provided, single submitter (1 of 4 stars). 2 submissions from 2 submitters: Likely benign (1). 1 of the submissions does not count toward it. Last evaluated 2024-08-01.

Conditions:
PCK2-related disorder. Also called: PCK2-related condition.

Allele frequency attached by ClinVar (database versions not stated): 1000 Genomes Project 30x 0.00016; 1000 Genomes Project 0.00020; gnomAD exomes 0.00090; TOPMed 0.00110; gnomAD 0.00118; ESP Exome Variant Server 0.00138; ExAC 0.00156.
gnomAD v4.1: 1,571 of 1,594,648 alleles (0.099%); highest among the groups gnomAD compares: Middle Eastern, 0.27%; 21 homozygotes.

Submissions (2):

CeGaT Center for Human Genetics Tuebingen
Classification: Likely benign. Last evaluated: 2024-08-01. Review status: criteria provided, single submitter. Criteria: CeGaT Center For Human Genetics Tuebingen Variant Classification Criteria Version 2. Collection method: clinical testing. Allele origin: germline. Affected: yes. Observed: 2 variant alleles.
Comment: PCK2: BP4

PreventionGenetics, part of Exact Sciences
Classification: Benign for PCK2-related condition. Last evaluated: 2021-09-24. Review status: no assertion criteria provided. Collection method: clinical testing. Allele origin: germline. Not counted in ClinVar's aggregate classification.
Comment: This variant is classified as benign based on ACMG/AMP sequence variant interpretation guidelines (Richards et al. 2015 PMID: 25741868, with internal and published modifications).